The following is an entry in ClinVar:

ClinVar aggregate classification (germline): Uncertain significance (1 of 4 stars; one submission).

Conditions:
Periodontitis, aggressive. Identifiers: MedGen C0031106, MONDO:0980757.
Haim-Munk syndrome (HMS). Also called: COCHIN JEWISH DISORDER; KERATOSIS PALMOPLANTARIS WITH PERIODONTOPATHIA AND ONYCHOGRYPOSIS. Identifiers: Orphanet 2342, MedGen C1855627, MONDO:0009491, OMIM 245010.
Papillon-Lefèvre syndrome (PALS). Also called: Papillon-Lefevre Disease; KERATOSIS PALMOPLANTARIS WITH PERIODONTOPATHIA. Identifiers: Orphanet 678, MedGen C0030360, MONDO:0009490, OMIM 245000.

Allele frequency attached by ClinVar (database versions not stated): gnomAD exomes below 0.00001.
gnomAD v4.1: 1 of 1,614,062 alleles (0.000062%); highest among the groups gnomAD compares: Non-Finnish European, 0.000085%; no homozygotes.

Submission:

Labcorp Genetics (formerly Invitae), Labcorp
Classification: Uncertain significance for Haim-Munk syndrome; Aggressive periodontitis; Papillon-LefÃ¨vre syndrome. Last evaluated: 2019-02-28. Review status: criteria provided, single submitter. Criteria: Invitae Variant Classification Sherloc (09022015). Collection method: clinical testing. Allele origin: germline.
Comment: This sequence change replaces histidine with arginine at codon 390 of the CTSC protein (p.His390Arg). The histidine residue is highly conserved and there is a small physicochemical difference between histidine and arginine. This variant is not present in population databases (ExAC no frequency). This variant has not been reported in the literature in individuals with CTSC-related conditions. Algorithms developed to predict the effect of missense changes on protein structure and function are either unavailable or do not agree on the potential impact of this missense change (SIFT: "Deleterious"; PolyPhen-2: "Benign"; Align-GVGD: "Class C25"). In summary, the available evidence is currently insufficient to determine the role of this variant in disease. Therefore, it has been classified as a Variant of Uncertain Significance.

NM_001814.6(CTSC):c.1169A>G (p.His390Arg)

Gene: CTSC (cathepsin C; minus strand). Cytogenetic location: 11q14.2.
Variant type: single nucleotide variant.
Coding change: c.1169A>G on transcript NM_001814.6 (MANE Select); coding-DNA position 1169, A replaced by G.
Protein change: p.His390Arg; replaces histidine 390 with arginine.
Molecular consequence: missense variant.
Genome position (GRCh38, 1-based): chr11:88,294,229, T>C on the plus strand (A>G on the coding strand, the complement: CTSC is on the minus strand). VCF-style: chr11-88294229-T-C. GRCh37 (hg19) VCF-style: chr11-88027397-T-C.
Other names: short protein forms H390R.
Identifiers: ClinVar variation 834209 (VCV000834209.1), dbSNP rs2496529011, ClinGen allele CA382021714.